The following is an entry in ClinVar:

NM_004260.4(RECQL4):c.2458C>G (p.Pro820Ala)

Gene: RECQL4 (RecQ like helicase 4; minus strand). Cytogenetic location: 8q24.3.
Variant type: single nucleotide variant.
Coding change: c.2458C>G on transcript NM_004260.4 (MANE Select); coding-DNA position 2458, C replaced by G.
Protein change: p.Pro820Ala; replaces proline 820 with alanine.
Molecular consequence: missense variant.
Genome position (GRCh38, 1-based): chr8:144,513,223, G>C on the plus strand (C>G on the coding strand, the complement: RECQL4 is on the minus strand). VCF-style: chr8-144513223-G-C. GRCh37 (hg19) VCF-style: chr8-145738606-G-C.
Other names: short protein forms P820A.
Identifiers: ClinVar variation 1388821 (VCV001388821.6), dbSNP rs1827596130, ClinGen allele CA372677880.
Genomic context (GRCh38, chr8:144,513,223, plus strand): 5'-GGGGTGGACCACTGGGGGCTCGAGCACTGGCAGTGTGGGGGGGGGGGGTGCCAACCTGGG[G>C]CTGCAGGAAGAGGTGGCAGTGGGCAGGCTGCCCGTCACGCCCGGCCCGGCCCACGGCCTG-3'
Protein context (NP_004251.4, residues 810-830): QPAHCHLFLQ[Pro820Ala]QGEDLRELRR

ClinVar aggregate classification (germline): Uncertain significance (1 of 4 stars; one submission).

Conditions:
Baller-Gerold syndrome (BGS). Also called: CRANIOSYNOSTOSIS WITH RADIAL DEFECTS. Identifiers: Orphanet 1225, MedGen C0265308, MONDO:0009039, OMIM 218600.

Allele frequency attached by ClinVar (database versions not stated): TOPMed below 0.00001.

Submission:

Labcorp Genetics (formerly Invitae), Labcorp
Classification: Uncertain significance for Baller-Gerold syndrome. Last evaluated: 2025-11-10. Review status: criteria provided, single submitter. Criteria: Invitae Variant Classification Sherloc (09022015). Collection method: clinical testing. Allele origin: germline.
Comment: This sequence change replaces proline, which is neutral and non-polar, with alanine, which is neutral and non-polar, at codon 820 of the RECQL4 protein (p.Pro820Ala). This variant is not present in population databases (gnomAD no frequency). This variant has not been reported in the literature in individuals affected with RECQL4-related conditions. ClinVar contains an entry for this variant (Variation ID: 1388821). Invitae Evidence Modeling of protein sequence and biophysical properties (such as structural, functional, and spatial information, amino acid conservation, physicochemical variation, residue mobility, and thermodynamic stability) indicates that this missense variant is not expected to disrupt RECQL4 protein function with a negative predictive value of 80%. In summary, the available evidence is currently insufficient to determine the role of this variant in disease. Therefore, it has been classified as a Variant of Uncertain Significance.